The following is an entry in ClinVar:

ClinVar aggregate classification (germline): Pathogenic. Review status: reviewed by expert panel (3 of 4 stars). 3 submissions from 3 submitters: Pathogenic (1). 2 of the submissions do not count toward it. Last evaluated 2021-09-01.

Conditions:
Glycogen storage disease, type II (IOPD). Also called: POMPE DISEASE, INFANTILE-ONSET; GLYCOGEN STORAGE DISEASE II, INFANTILE-ONSET; ACID ALPHA-GLUCOSIDASE DEFICIENCY, INFANTILE-ONSET; GAA DEFICIENCY, INFANTILE-ONSET; ACID MALTASE DEFICIENCY, INFANTILE-ONSET; CARDIOMEGALIA GLYCOGENICA DIFFUSA. Identifiers: Orphanet 365, MedGen C0017921, MONDO:0009290, OMIM 232300.

Submissions (3):

ClinGen Lysosomal Storage Disorder Variant Curation Expert Panel
Classification: Pathogenic for Glycogen storage disease, type II. Last evaluated: 2021-09-01. Review status: reviewed by expert panel. Criteria: clingen_lsd_acmg_specifications_v2-1. Collection method: curation. Allele origin: germline. Inheritance: Autosomal recessive inheritance.
Comment: The NM_000152.5:c.2655_2656del (p.Val886GlufsTer2) variant in GAA is a frameshift variant predicted to cause a premature stop codon and to lead to nonsense mediated decay in a gene in which loss-of-function is an established disease mechanism (PVS1). Two siblings with this variant and late-onset Pompe disease have been reported with GAA activity in dried blood spots below the normal range, and both are on enzyme replacement therapy (PMID 31392188, personal communication)(PP4_Moderate). These individuals are compound heterozygous for the variant and a pathogenic variant in GAA, c.-32-13T>G, phase unknown (PM3_Supporting). The variant is absent in gnomAD v2.1.1 (PM2_Supporting). There is a ClinVar entry for this variant (Variation ID: 597005; 1 star review status) with one submitter classifying the variant as pathogenic. In summary, this variant meets the criteria to be classified as pathogenic for Pompe disease. GAA-specific ACMG/AMP criteria met, based on the specifications of the ClinGen LSD VCEP (Specifications Version 2.0): PVS1, PP4_Moderate, PM2_Supporting, PM3_Supporting.

Genomenon, Inc
Classification: Pathogenic for Glycogen storage disease, type II. Last evaluated: 2026-07-01. Review status: criteria provided, single submitter. Criteria: Genomenon Sequence Variant Interpretation Standards - Updated. Collection method: curation. Allele origin: germline. Affected: yes. Not counted in ClinVar's aggregate classification.
Comment: GAA p.Val886GlufsTer2 (c.2655_2656del) is a frameshift variant that is predicted to introduce a premature termination codon and result in a truncated or absent protein product. This variant has been observed in at least one proband with a GAA-related disorder (PMID:31392188). It is absent or not present at a significant frequency in gnomAD. In conclusion, we classify GAA p.Val886GlufsTer2 (c.2655_2656del) as a pathogenic variant.

Eurofins Ntd Llc (ga)
Classification: Pathogenic. Last evaluated: 2018-04-27. Review status: criteria provided, single submitter. Criteria: EGL ClinVar v180209 classification definitions. Collection method: clinical testing. Allele origin: germline. Observed: 2 variant alleles, 2 heterozygotes. Not counted in ClinVar's aggregate classification.

Literature cited by the submitters: PubMed 31392188 (cited by Genomenon, Inc).

NM_000152.5(GAA):c.2655_2656del (p.Val886fs)

Gene: GAA (alpha glucosidase; plus strand). Cytogenetic location: 17q25.3.
Variant type: Deletion.
Coding change: c.2655_2656del on transcript NM_000152.5 (MANE Select); coding-DNA positions 2655 to 2656, 2 bases deleted (CG; older notation c.2655_2656delCG).
Protein change: p.Val886fs; shifts the reading frame from valine 886.
Molecular consequence: frameshift variant.
Genome position (GRCh38, 1-based): chr17:80,118,661-80,118,662, CG deleted. VCF-style (leftmost placement, unchanged base first): chr17-80118660-TCG-T. GRCh37 (hg19) VCF-style: chr17-78092459-TCG-T.
Other names: NM_000152.5(GAA):c.2655_2656del; p.Val886fs; c.2655_2656del, p.Val886fs (NM_001079803.3, NM_001079804.3); short protein forms V886fs.
Identifiers: ClinVar variation 597005 (VCV000597005.8), dbSNP rs1555603219, ClinGen allele CA913191011.